The following is an entry in ClinVar:

NM_033394.3(TANC1):c.987C>T (p.Asp329=)

Gene: TANC1 (tetratricopeptide repeat, ankyrin repeat and coiled-coil containing 1; plus strand). Cytogenetic location: 2q24.2.
Variant type: single nucleotide variant.
Coding change: c.987C>T on transcript NM_033394.3 (MANE Select); coding-DNA position 987, C replaced by T.
Protein change: p.Asp329=; no amino-acid change (aspartic acid 329 retained).
Molecular consequence: synonymous variant.
Genome position (GRCh38, 1-based): chr2:159,169,290, C>T. VCF-style: chr2-159169290-C-T. GRCh37 (hg19) VCF-style: chr2-160025801-C-T.
Other names: c.405C>T, p.Asp135= (NM_001350062.2); c.618C>T, p.Asp206= (NM_001350063.2); c.987C>T, p.Asp329= (NM_001350064.2, NM_001350065.2); c.984C>T, p.Asp328= (NM_001145909.2).
Identifiers: ClinVar variation 2651452 (VCV002651452.24), dbSNP rs545025376, ClinGen allele CA1921966.
Genomic context (GRCh38, chr2:159,169,290, plus strand): 5'-ACTTCAGTTTAATATTACAGCAACAAGCTCAACCAAATTGGAAGATCTGAGTTATTTAGA[C>T]GGGCAGAGAAATGCTCCTCTACGGACGTCAATTAGATTACCATGGCACAATACGGCCGGA-3'
Protein context (NP_203752.2, residues 319-339): STKLEDLSYL[Asp329=]GQRNAPLRTS

ClinVar aggregate classification (germline): Likely benign (1 of 4 stars; one submission).

Allele frequency attached by ClinVar (database versions not stated): gnomAD 0.00003; gnomAD exomes 0.00003; TOPMed 0.00005; ExAC 0.00006.
gnomAD v4.1: 50 of 1,612,964 alleles (0.0031%); highest among the groups gnomAD compares: East Asian, 0.033%; no homozygotes.

Submission:

CeGaT Center for Human Genetics Tuebingen
Classification: Likely benign. Last evaluated: 2023-03-01. Review status: criteria provided, single submitter. Criteria: CeGaT Center For Human Genetics Tuebingen Variant Classification Criteria Version 2. Collection method: clinical testing. Allele origin: germline. Affected: yes. Observed: 1 variant allele.
Comment: TANC1: BP4, BP7